The following is an entry in ClinVar:

ClinVar aggregate classification (germline): Uncertain significance (1 of 4 stars; one submission).

Submission:

Labcorp Genetics (formerly Invitae), Labcorp
Classification: Uncertain significance. Last evaluated: 2023-06-21. Review status: criteria provided, single submitter. Criteria: Invitae Variant Classification Sherloc (09022015). Collection method: clinical testing. Allele origin: germline.
Comment: This sequence change replaces methionine, which is neutral and non-polar, with isoleucine, which is neutral and non-polar, at codon 352 of the POGLUT1 protein (p.Met352Ile). This variant is not present in population databases (gnomAD no frequency). This variant has not been reported in the literature in individuals affected with POGLUT1-related conditions. Advanced modeling of protein sequence and biophysical properties (such as structural, functional, and spatial information, amino acid conservation, physicochemical variation, residue mobility, and thermodynamic stability) performed at Invitae indicates that this missense variant is not expected to disrupt POGLUT1 protein function. In summary, the available evidence is currently insufficient to determine the role of this variant in disease. Therefore, it has been classified as a Variant of Uncertain Significance.

NM_152305.3(POGLUT1):c.1056G>A (p.Met352Ile)

Gene: POGLUT1 (protein O-glucosyltransferase 1; plus strand). Cytogenetic location: 3q13.33.
Variant type: single nucleotide variant.
Coding change: c.1056G>A on transcript NM_152305.3 (MANE Select); coding-DNA position 1056, G replaced by A.
Protein change: p.Met352Ile; replaces methionine 352 with isoleucine.
Molecular consequence: missense variant. On other transcripts: non-coding transcript variant (1).
Genome position (GRCh38, 1-based): chr3:119,492,315, G>A. VCF-style: chr3-119492315-G-A. GRCh37 (hg19) VCF-style: chr3-119211162-G-A.
Other names: c.1056G>A, p.Met352Ile (NM_020231.3); short protein forms M352I.
Identifiers: ClinVar variation 3019358 (VCV003019358.3), dbSNP rs2473052676, ClinGen allele CA354049515.